The following is an entry in ClinVar:

NM_007272.3(CTRC):c.737G>T (p.Arg246Leu)

Gene: CTRC (chymotrypsin C; plus strand). Cytogenetic location: 1p36.21.
Variant type: single nucleotide variant.
Coding change: c.737G>T on transcript NM_007272.3 (MANE Select); coding-DNA position 737, G replaced by T.
Protein change: p.Arg246Leu; replaces arginine 246 with leucine.
Molecular consequence: missense variant.
Genome position (GRCh38, 1-based): chr1:15,445,694, G>T. VCF-style: chr1-15445694-G-T. GRCh37 (hg19) VCF-style: chr1-15772189-G-T.
Other names: short protein forms R246L.
Identifiers: ClinVar variation 827004 (VCV000827004.25), dbSNP rs147925927, ClinGen allele CA613458.

ClinVar aggregate classification (germline): Conflicting classifications of pathogenicity. Review status: criteria provided, conflicting classifications (1 of 4 stars). 4 submissions from 4 submitters: Uncertain significance (2); Likely benign (2). Last evaluated 2022-08-22.

Conditions:
Hereditary pancreatitis (PCTT). Also called: Hereditary chronic pancreatitis; PRSS1-Related Hereditary Pancreatitis. Identifiers: Orphanet 676, MedGen C0238339, MONDO:0008185, OMIM 167800.

Allele frequency attached by ClinVar (database versions not stated): TOPMed 0.00002.
gnomAD v4.1: 25 of 1,613,768 alleles (0.0015%); highest among the groups gnomAD compares: Non-Finnish European, 0.00059%; no homozygotes.

Submissions (4):

Labcorp Genetics (formerly Invitae), Labcorp
Classification: Likely benign for Hereditary pancreatitis. Last evaluated: 2022-08-22. Review status: criteria provided, single submitter. Criteria: Invitae Variant Classification Sherloc (09022015). Collection method: clinical testing. Allele origin: germline.

ARUP Laboratories, Molecular Genetics and Genomics, ARUP Laboratories
Classification: Uncertain significance for Hereditary pancreatitis. Last evaluated: 2020-10-07. Review status: criteria provided, single submitter. Criteria: ARUP Molecular Germline Variant Investigation Process 2021. Collection method: clinical testing. Allele origin: germline.
Comment: The CTRC c.737G>T; p.Arg246Leu variant (rs147925927), to our knowledge, is not reported in the medical literature but is reported in ClinVar (Variation ID: 827004). This variant is found in the general population with an overall allele frequency of 0.004% (9/251236 alleles) in the Genome Aggregation Database. The arginine at codon 246 is weakly conserved, but computational analyses (REVEL) are uncertain whether this variant is neutral or deleterious. Due to limited information, the clinical significance of this variant is uncertain at this time.

Mayo Clinic Laboratories, Mayo Clinic
Classification: Uncertain significance. Last evaluated: 2019-12-30. Review status: criteria provided, single submitter. Criteria: ACMG Guidelines, 2015. Collection method: clinical testing. Allele origin: germline. Observed: 1 variant allele.

Ambry Genetics
Classification: Likely benign for Hereditary pancreatitis. Last evaluated: 2019-03-07. Review status: criteria provided, single submitter. Criteria: Ambry Variant Classification Scheme 2023. Collection method: clinical testing. Allele origin: germline.